The following is an entry in ClinVar:

ClinVar aggregate classification (germline): Uncertain significance. Review status: criteria provided, single submitter (1 of 4 stars). 2 submissions from 2 submitters: Uncertain significance (1). 1 of the submissions does not count toward it. Last evaluated 2023-03-24.

Conditions:
HEMOGLOBIN GRANGE-BLANCHE.

Allele frequency attached by ClinVar (database versions not stated): gnomAD exomes 0.00001; TOPMed 0.00001; ExAC 0.00001.
gnomAD v4.1: 2 of 1,613,252 alleles (0.00012%); highest among the groups gnomAD compares: East Asian, 0.0022%; no homozygotes.

Submissions (2):

GeneDx
Classification: Uncertain significance. Last evaluated: 2023-03-24. Review status: criteria provided, single submitter. Criteria: GeneDx Variant Classification Process June 2021. Collection method: clinical testing. Allele origin: germline. Affected: yes.
Comment: Identified in the heterozygous state in a family with erythrocytosis (Baklouti et al., 1987); Observed in cis with another HBB variant and with an -globin gene triplication in a family with thalassemia intermedia, anemia, and splenomegaly (Dipanwita Das et al., 2013); In silico analysis supports that this missense variant does not alter protein structure/function; Also known as Hb Grange-Blanche [27(B9) Ala>Val]; This variant is associated with the following publications: (PMID: 3666141, Das2013[article], 25332589, 17949282, 3955238)

OMIM
Classification: other for HEMOGLOBIN GRANGE-BLANCHE. Last evaluated: 2017-12-12. Review status: no assertion criteria provided. Collection method: literature only. Allele origin: germline. Not counted in ClinVar's aggregate classification.

Literature cited by the submitters: PubMed 3666141 (cited by OMIM).

NM_000518.4(HBB):c.83C>T (p.Ala28Val)

Genes: HBB (hemoglobin subunit beta; minus strand), LOC106099062 (HBB recombination region; plus strand), LOC107133510 (origin of replication at HBB; plus strand). Cytogenetic location: 11p15.4.
Variant type: single nucleotide variant.
Coding change: c.83C>T on transcript NM_000518.4; coding-DNA position 83, C replaced by T.
Protein change: p.Ala28Val; replaces alanine 28 with valine.
Molecular consequence: missense variant (on NM_000518.5).
Genome position (GRCh38, 1-based): chr11:5,226,939, G>A on the plus strand (C>T on the coding strand, the complement: HBB is on the minus strand). VCF-style: chr11-5226939-G-A. GRCh37 (hg19) VCF-style: chr11-5248169-G-A.
Other names: A27V; c.83C>T, p.Ala28Val (NM_000518.5); short protein forms A28V.
Identifiers: ClinVar variation 15184 (VCV000015184.3), dbSNP rs33954632, ClinGen allele CA124879.